The following is an entry in ClinVar:

NM_002354.3(EPCAM):c.105C>T (p.Ala35=)

Gene: EPCAM (epithelial cell adhesion molecule; plus strand). Cytogenetic location: 2p21.
Variant type: single nucleotide variant.
Coding change: c.105C>T on transcript NM_002354.3 (MANE Select); coding-DNA position 105, C replaced by T.
Protein change: p.Ala35=; no amino-acid change (alanine 35 retained).
Molecular consequence: synonymous variant.
Genome position (GRCh38, 1-based): chr2:47,373,491, C>T. VCF-style: chr2-47373491-C-T. GRCh37 (hg19) VCF-style: chr2-47600630-C-T.
Identifiers: ClinVar variation 1779822 (VCV001779822.31), dbSNP rs747879855, ClinGen allele CA1648876.

ClinVar aggregate classification (germline): Likely benign. Review status: criteria provided, multiple submitters, no conflicts (2 of 4 stars). 2 submissions from 2 submitters: Likely benign (2). Last evaluated 2025-05-28.

Conditions:
Hereditary cancer-predisposing syndrome. Also called: Hereditary neoplastic syndrome; Neoplastic Syndromes, Hereditary; Tumor predisposition; Hereditary Cancer Syndrome. Identifiers: Orphanet 140162, MedGen C0027672, MeSH D009386, MONDO:0015356.

Allele frequency attached by ClinVar (database versions not stated): ExAC 0.00001; gnomAD 0.00003; TOPMed 0.00003.
gnomAD v4.1: 17 of 1,612,952 alleles (0.0011%); highest among the groups gnomAD compares: Non-Finnish European, 0.0014%; 1 homozygote.

Submissions (2):

Ambry Genetics
Classification: Likely benign for Hereditary cancer-predisposing syndrome. Last evaluated: 2025-05-28. Review status: criteria provided, single submitter. Criteria: Ambry Variant Classification Scheme 2023. Collection method: clinical testing. Allele origin: germline.

CeGaT Center for Human Genetics Tuebingen
Classification: Likely benign. Last evaluated: 2022-10-01. Review status: criteria provided, single submitter. Criteria: CeGaT Center For Human Genetics Tuebingen Variant Classification Criteria Version 2. Collection method: clinical testing. Allele origin: germline. Affected: yes. Observed: 1 variant allele.
Comment: EPCAM: BP4, BP7